The following is an entry in ClinVar:

NM_001384474.1(LOXHD1):c.3142G>T (p.Gly1048Cys)

Gene: LOXHD1 (lipoxygenase homology PLAT domains 1; minus strand). Cytogenetic location: 18q21.1.
Variant type: single nucleotide variant.
Coding change: c.3142G>T on transcript NM_001384474.1 (MANE Select); coding-DNA position 3142, G replaced by T.
Protein change: p.Gly1048Cys; replaces glycine 1048 with cysteine.
Molecular consequence: missense variant.
Genome position (GRCh38, 1-based): chr18:46,559,522, C>A on the plus strand (G>T on the coding strand, the complement: LOXHD1 is on the minus strand). VCF-style: chr18-46559522-C-A. GRCh37 (hg19) VCF-style: chr18-44139485-C-A.
Other names: c.3142G>T, p.Gly1048Cys (NM_144612.7); short protein forms G1048C.
Identifiers: ClinVar variation 3704108 (VCV003704108.2).

ClinVar aggregate classification (germline): Uncertain significance (1 of 4 stars; one submission).

Submission:

Labcorp Genetics (formerly Invitae), Labcorp
Classification: Uncertain significance. Last evaluated: 2024-04-25. Review status: criteria provided, single submitter. Criteria: Invitae Variant Classification Sherloc (09022015). Collection method: clinical testing. Allele origin: germline.
Comment: This sequence change replaces glycine, which is neutral and non-polar, with cysteine, which is neutral and slightly polar, at codon 1048 of the LOXHD1 protein (p.Gly1048Cys). This variant is not present in population databases (gnomAD no frequency). This variant has not been reported in the literature in individuals affected with LOXHD1-related conditions. An algorithm developed to predict the effect of missense changes on protein structure and function (PolyPhen-2) suggests that this variant is likely to be disruptive. In summary, the available evidence is currently insufficient to determine the role of this variant in disease. Therefore, it has been classified as a Variant of Uncertain Significance.